The following is an entry in ClinVar:

ClinVar aggregate classification (germline): Pathogenic. Review status: reviewed by expert panel (3 of 4 stars). 2 submissions from 2 submitters: Pathogenic (1). 1 of the submissions does not count toward it. Last evaluated 2025-01-15.

Conditions:
Hereditary thrombocytopenia and hematologic cancer predisposition syndrome. Identifiers: Orphanet 71290, MedGen CN281654, MONDO:0011071.
Hereditary thrombocytopenia and hematological cancer predisposition syndrome associated with RUNX1. Also called: RUNX1 Familial Platelet Disorder with Associated Myeloid Malignancies; Familial Platelet Disorder with Propensity to Acute Myelogenous Leukemia; Familial thrombocytopenia with propensity to acute myelogenous leukemia; PLATELET DISORDER, ASPIRIN-LIKE. Identifiers: Orphanet 71290, MedGen C1832388, MeSH C563324, MONDO:0100083, OMIM 601399.

Submissions (2):

ClinGen Myeloid Malignancy Variant Curation Expert Panel
Classification: Pathogenic for Hereditary thrombocytopenia and hematologic cancer predisposition syndrome. Last evaluated: 2025-01-15. Review status: reviewed by expert panel. Criteria: ClinGen MyeloMalig ACMG Specifications v2. Collection method: curation. Allele origin: germline. Inheritance: Autosomal dominant inheritance.
Comment: NM_001754.5(RUNX1):c.820C>T (p.Q274*) is a nonsense variant predicted to cause a premature stop codon in biologically relevant exon 7/8, leading to nonsense-mediated decay in a gene where loss-of-function is an established disease mechanism (PVS1). This variant is not predicted by SpliceAI to impact splicing and is absent from gnomAD v2, v3, and v4 (PM2_supporting). Although the variant has not been reported in the literature, other null variants in exon 7 have been classified as likely pathogenic (PM5_supporting). In summary, this variant meets criteria to be classified as pathogenic for autosomal dominant hereditary thrombocytopenia and hematologic cancer predisposition syndrome. ACMG/AMP criteria applied, as specified by the ClinGen Myeloid Malignancy VCEP: PVS1, PM2_supporting, PM5_supporting.

Labcorp Genetics (formerly Invitae), Labcorp
Classification: Pathogenic for Hereditary thrombocytopenia and hematological cancer predisposition syndrome associated with RUNX1. Last evaluated: 2023-07-08. Review status: criteria provided, single submitter. Criteria: Invitae Variant Classification Sherloc (09022015). Collection method: clinical testing. Allele origin: germline. Not counted in ClinVar's aggregate classification.
Comment: For these reasons, this variant has been classified as Pathogenic. This variant has not been reported in the literature in individuals affected with RUNX1-related conditions. This variant is not present in population databases (gnomAD no frequency). This sequence change creates a premature translational stop signal (p.Gln274*) in the RUNX1 gene. It is expected to result in an absent or disrupted protein product. Loss-of-function variants in RUNX1 are known to be pathogenic (PMID: 18723428, 24100448).

Literature cited by the submitters: PubMed 18723428 (cited by Labcorp Genetics (formerly Invitae), Labcorp); PubMed 24100448 (cited by Labcorp Genetics (formerly Invitae), Labcorp).

NM_001754.5(RUNX1):c.820C>T (p.Gln274Ter)

Gene: RUNX1 (RUNX family transcription factor 1; minus strand). Cytogenetic location: 21q22.12.
Variant type: single nucleotide variant.
Coding change: c.820C>T on transcript NM_001754.5 (MANE Select); coding-DNA position 820, C replaced by T.
Protein change: p.Gln274Ter; replaces glutamine 274 with a stop codon.
Molecular consequence: nonsense.
Genome position (GRCh38, 1-based): chr21:34,799,448, G>A on the plus strand (C>T on the coding strand, the complement: RUNX1 is on the minus strand). VCF-style: chr21-34799448-G-A. GRCh37 (hg19) VCF-style: chr21-36171745-G-A.
Other names: NM_001754.5(RUNX1):c.820C>T; p.Gln274Ter; c.739C>T, p.Gln247Ter (NM_001001890.3); short protein forms Q247*, Q274*.
Identifiers: ClinVar variation 2997653 (VCV002997653.4), dbSNP rs2056578041, ClinGen allele CA410150321.